The following is an entry in ClinVar:

NM_024757.5(EHMT1):c.3082G>T (p.Ala1028Ser)

Gene: EHMT1 (euchromatic histone lysine methyltransferase 1; plus strand). Cytogenetic location: 9q34.3.
Variant type: single nucleotide variant.
Coding change: c.3082G>T on transcript NM_024757.5 (MANE Select); coding-DNA position 3082, G replaced by T.
Protein change: p.Ala1028Ser; replaces alanine 1028 with serine.
Molecular consequence: missense variant.
Genome position (GRCh38, 1-based): chr9:137,813,432, G>T. VCF-style: chr9-137813432-G-T. GRCh37 (hg19) VCF-style: chr9-140707884-G-T.
Other names: c.3061G>T, p.Ala1021Ser (NM_001354263.2); short protein forms A1021S, A1028S.
Identifiers: ClinVar variation 2581191 (VCV002581191.1), dbSNP rs772023246, ClinGen allele CA375793998.
Genomic context (GRCh38, chr9:137,813,432, plus strand): 5'-CCTTTCCATGGCAGGGACATCGCTCGAGGCTACGAGCGCATCCCCATCCCCTGTGTCAAC[G>T]CCGTGGACAGCGAGCCATGCCCCAGCAACTACAAGTACGTCTCTCAGAACTGCGTGACGT-3'
Protein context (NP_079033.4, residues 1018-1038): YERIPIPCVN[Ala1028Ser]VDSEPCPSNY

ClinVar aggregate classification (germline): Uncertain significance (1 of 4 stars; one submission).

Submission:

Women's Health and Genetics/Laboratory Corporation of America, LabCorp
Classification: Uncertain significance. Last evaluated: 2023-08-17. Review status: criteria provided, single submitter. Criteria: LabCorp Variant Classification Summary - May 2015. Collection method: clinical testing. Allele origin: germline.
Comment: Variant summary: EHMT1 c.3082G>T (p.Ala1028Ser) results in a conservative amino acid change located in the Pre-SET domain (IPR007728) of the encoded protein sequence. Four of five in-silico tools predict a benign effect of the variant on protein function. The variant was absent in 250000 control chromosomes. The available data on variant occurrences in the general population are insufficient to allow any conclusion about variant significance. To our knowledge, no occurrence of c.3082G>T in individuals affected with Kleefstra Syndrome 1 and no experimental evidence demonstrating its impact on protein function have been reported. No submitters have cited clinical-significance assessments for this variant to ClinVar after 2014. Based on the evidence outlined above, the variant was classified as uncertain significance.